The following is an entry in ClinVar:

NM_002875.5(RAD51):c.79C>T (p.Arg27Trp)

Gene: RAD51 (RAD51 recombinase; plus strand). Cytogenetic location: 15q15.1.
Variant type: single nucleotide variant.
Coding change: c.79C>T on transcript NM_002875.5 (MANE Select); coding-DNA position 79, C replaced by T.
Protein change: p.Arg27Trp; replaces arginine 27 with tryptophan.
Molecular consequence: missense variant.
Genome position (GRCh38, 1-based): chr15:40,698,837, C>T. VCF-style: chr15-40698837-C-T. GRCh37 (hg19) VCF-style: chr15-40991035-C-T.
Other names: c.79C>T, p.Arg27Trp (NM_001164269.2, NM_001164270.2, NM_133487.4); short protein forms R27W.
Identifiers: ClinVar variation 1761569 (VCV001761569.3), dbSNP rs756713380, ClinGen allele CA7483903.

ClinVar aggregate classification (germline): Uncertain significance (1 of 4 stars; one submission).

Conditions:
Inborn genetic diseases. Identifiers: MedGen C0950123, MeSH D030342.

Allele frequency attached by ClinVar (database versions not stated): gnomAD exomes below 0.00001; ExAC 0.00001; gnomAD 0.00001; TOPMed 0.00002.
gnomAD v4.1: 4 of 1,613,762 alleles (0.00025%); highest among the groups gnomAD compares: African/African-American, 0.004%; no homozygotes.

Submission:

Ambry Genetics
Classification: Uncertain significance for Inborn genetic diseases. Last evaluated: 2024-06-17. Review status: criteria provided, single submitter. Criteria: Ambry Variant Classification Scheme 2023. Collection method: clinical testing. Allele origin: germline.
Comment: The p.R27W variant (also known as c.79C>T), located in coding exon 1 of the RAD51 gene, results from a C to T substitution at nucleotide position 79. The arginine at codon 27 is replaced by tryptophan, an amino acid with dissimilar properties. This amino acid position is conserved. In addition, the in silico prediction for this alteration is inconclusive. Since supporting evidence is limited at this time, the clinical significance of this alteration remains unclear.